The following is an entry in ClinVar:

NM_006642.5(SDCCAG8):c.707G>A (p.Cys236Tyr)

Gene: SDCCAG8 (SHH signaling and ciliogenesis regulator SDCCAG8; plus strand). Cytogenetic location: 1q43.
Variant type: single nucleotide variant.
Coding change: c.707G>A on transcript NM_006642.5 (MANE Select); coding-DNA position 707, G replaced by A.
Protein change: p.Cys236Tyr; replaces cysteine 236 with tyrosine.
Molecular consequence: missense variant. On other transcripts: 5 prime UTR variant (3).
Genome position (GRCh38, 1-based): chr1:243,304,744, G>A. VCF-style: chr1-243304744-G-A. GRCh37 (hg19) VCF-style: chr1-243468046-G-A.
Other names: c.-406G>A (NM_001350246.2); c.-294G>A (NM_001350247.2); c.803G>A, p.Cys268Tyr (NM_001350248.2); c.413G>A, p.Cys138Tyr (NM_001350249.2); c.-571G>A (NM_001350251.2); short protein forms C138Y, C236Y, C268Y.
Identifiers: ClinVar variation 1013852 (VCV001013852.8), dbSNP rs1299404653, ClinGen allele CA345478640.

ClinVar aggregate classification (germline): Uncertain significance (1 of 4 stars; one submission).

Conditions:
Senior-Loken syndrome 7 (SLSN7). Identifiers: Orphanet 3156, MedGen C3150877, MONDO:0013326, OMIM 613615.
Bardet-Biedl syndrome 16 (BBS16). Identifiers: Orphanet 110, MedGen C3889474, MONDO:0014444, OMIM 615993.

Allele frequency attached by ClinVar (database versions not stated): gnomAD exomes below 0.00001; gnomAD 0.00001.
gnomAD v4.1: 2 of 1,595,628 alleles (0.00013%); highest among the groups gnomAD compares: Admixed American, 0.0033%; no homozygotes.

Submission:

Labcorp Genetics (formerly Invitae), Labcorp
Classification: Uncertain significance for Bardet-Biedl syndrome 16; Senior-Loken syndrome 7. Last evaluated: 2020-03-11. Review status: criteria provided, single submitter. Criteria: Invitae Variant Classification Sherloc (09022015). Collection method: clinical testing. Allele origin: germline.
Comment: This sequence change replaces cysteine with tyrosine at codon 236 of the SDCCAG8 protein (p.Cys236Tyr). The cysteine residue is weakly conserved and there is a large physicochemical difference between cysteine and tyrosine. This variant is not present in population databases (ExAC no frequency). This variant has not been reported in the literature in individuals with SDCCAG8-related conditions. Algorithms developed to predict the effect of missense changes on protein structure and function output the following: SIFT: "Tolerated"; PolyPhen-2: "Benign"; Align-GVGD: "Class C0". The tyrosine amino acid residue is found in multiple mammalian species, suggesting that this missense change does not adversely affect protein function. These predictions have not been confirmed by published functional studies and their clinical significance is uncertain. In summary, the available evidence is currently insufficient to determine the role of this variant in disease. Therefore, it has been classified as a Variant of Uncertain Significance.